The following is an entry in ClinVar:

NM_001367624.2(ZNF469):c.11032A>G (p.Ser3678Gly)

Gene: ZNF469 (zinc finger protein 469; plus strand). Cytogenetic location: 16q24.2.
Variant type: single nucleotide variant.
Coding change: c.11032A>G on transcript NM_001367624.2 (MANE Select); coding-DNA position 11032, A replaced by G.
Protein change: p.Ser3678Gly; replaces serine 3678 with glycine.
Molecular consequence: missense variant.
Genome position (GRCh38, 1-based): chr16:88,438,502, A>G. VCF-style: chr16-88438502-A-G. GRCh37 (hg19) VCF-style: chr16-88504910-A-G.
Other names: short protein forms S3678G.
Identifiers: ClinVar variation 4853610 (VCV004853610.1).

ClinVar aggregate classification (germline): Uncertain significance (1 of 4 stars; one submission).

Submission:

Women's Health and Genetics/Laboratory Corporation of America, LabCorp
Classification: Uncertain significance. Last evaluated: 2026-05-27. Review status: criteria provided, single submitter. Criteria: LabCorp Variant Classification Summary - May 2015. Collection method: clinical testing. Allele origin: germline.
Comment: Variant summary: ZNF469 c.11032A>G (p.Ser3678Gly) results in a non-conservative amino acid change in the encoded protein sequence. Algorithms developed to predict the effect of missense changes on protein structure and function are either unavailable or do not agree on the potential impact of this missense change. The variant was absent in 147542 control chromosomes. The available data on variant occurrences in the general population are insufficient to allow any conclusion about variant significance. To our knowledge, no occurrence of c.11032A>G in individuals affected with ZNF469-related conditions and no experimental evidence demonstrating its impact on protein function have been reported. No submitters have cited clinical-significance assessments for this variant to ClinVar. Based on the evidence outlined above, the variant was classified as uncertain significance.